The following is an entry in ClinVar:

NM_025099.6(CTC1):c.1565G>A (p.Arg522Gln)

Gene: CTC1 (CST telomere replication complex component 1; minus strand). Cytogenetic location: 17p13.1.
Variant type: single nucleotide variant.
Coding change: c.1565G>A on transcript NM_025099.6 (MANE Select); coding-DNA position 1565, G replaced by A.
Protein change: p.Arg522Gln; replaces arginine 522 with glutamine.
Molecular consequence: missense variant. On other transcripts: non-coding transcript variant (1).
Genome position (GRCh38, 1-based): chr17:8,234,801, C>T on the plus strand (G>A on the coding strand, the complement: CTC1 is on the minus strand). VCF-style: chr17-8234801-C-T. GRCh37 (hg19) VCF-style: chr17-8138119-C-T.
Other names: c.1565G>A (NM_025099.5); short protein forms R522Q.
Identifiers: ClinVar variation 1427458 (VCV001427458.8), dbSNP rs375999182, ClinGen allele CA8372314.

ClinVar aggregate classification (germline): Uncertain significance. Review status: criteria provided, multiple submitters, no conflicts (2 of 4 stars). 3 submissions from 3 submitters: Uncertain significance (3). Last evaluated 2025-09-16.

Conditions:
CTC1-related disorder. Also called: CTC1-related condition.
Dyskeratosis congenita. Identifiers: Orphanet 1775, MedGen C0265965, MONDO:0015780.
Inborn genetic diseases. Identifiers: MedGen C0950123, MeSH D030342.

Allele frequency attached by ClinVar (database versions not stated): 1000 Genomes Project 0.00020; gnomAD exomes 0.00001 and 0.00003; ExAC 0.00005; gnomAD 0.00005; ESP Exome Variant Server 0.00008; 1000 Genomes Project 30x 0.00016.
gnomAD v4.1: 24 of 1,611,152 alleles (0.0015%); highest among the groups gnomAD compares: South Asian, 0.011%; no homozygotes.

Submissions (3):

PreventionGenetics, part of Exact Sciences
Classification: Uncertain significance for CTC1-related condition. Last evaluated: 2025-09-16. Review status: criteria provided, single submitter. Criteria: ACMG Guidelines, 2015. Collection method: clinical testing. Allele origin: germline.
Comment: The CTC1 c.1565G>A variant is predicted to result in the amino acid substitution p.Arg522Gln. To our knowledge, this variant has not been reported in the literature. This variant is reported in 0.013% of alleles in individuals of South Asian descent in gnomAD. At this time, the clinical significance of this variant is uncertain due to the absence of conclusive functional and genetic evidence.

Ambry Genetics
Classification: Uncertain significance for Inborn genetic diseases. Last evaluated: 2025-08-08. Review status: criteria provided, single submitter. Criteria: Ambry Variant Classification Scheme 2023. Collection method: clinical testing. Allele origin: germline.

Labcorp Genetics (formerly Invitae), Labcorp
Classification: Uncertain significance for Dyskeratosis congenita. Last evaluated: 2022-07-12. Review status: criteria provided, single submitter. Criteria: Invitae Variant Classification Sherloc (09022015). Collection method: clinical testing. Allele origin: germline.
Comment: This sequence change replaces arginine, which is basic and polar, with glutamine, which is neutral and polar, at codon 522 of the CTC1 protein (p.Arg522Gln). This variant is present in population databases (rs375999182, gnomAD 0.01%). This variant has not been reported in the literature in individuals affected with CTC1-related conditions. ClinVar contains an entry for this variant (Variation ID: 1427458). Algorithms developed to predict the effect of missense changes on protein structure and function are either unavailable or do not agree on the potential impact of this missense change (SIFT: "Deleterious"; PolyPhen-2: "Probably Damaging"; Align-GVGD: "Class C0"). In summary, the available evidence is currently insufficient to determine the role of this variant in disease. Therefore, it has been classified as a Variant of Uncertain Significance.